The following is an entry in ClinVar:

NR_003051.4(RMRP):n.73A>G

Gene: RMRP (RNA component of mitochondrial RNA processing endoribonuclease; minus strand). Cytogenetic location: 9p13.3.
Variant type: single nucleotide variant.
Genome position: GRCh38 VCF-style: chr9-35657947-T-C. GRCh37 (hg19) VCF-style: chr9-35657944-T-C.
Identifiers: ClinVar variation 552366 (VCV000552366.12), dbSNP rs1554651251, ClinGen allele CA464450869.

ClinVar aggregate classification (germline): Uncertain significance. Review status: criteria provided, single submitter (1 of 4 stars). 3 submissions from 3 submitters: Uncertain significance (1). 2 of the submissions do not count toward it. Last evaluated 2021-08-27.

Conditions:
Metaphyseal chondrodysplasia, McKusick type (CHH). Also called: Cartilage-Hair Hypoplasia (CHH); Cartilage-hair hypoplasia. Identifiers: Orphanet 175, MedGen C0220748, MONDO:0009595, OMIM 250250.
Anauxetic dysplasia. Identifiers: Orphanet 93347, MedGen C1846796, MONDO:0011773.

gnomAD v4.1: 5 of 700,434 alleles (0.00071%); highest among the groups gnomAD compares: South Asian, 0.0015%; no homozygotes.

Submissions (3):

Labcorp Genetics (formerly Invitae), Labcorp
Classification: Uncertain significance for Anauxetic dysplasia. Last evaluated: 2021-08-27. Review status: criteria provided, single submitter. Criteria: Invitae Variant Classification Sherloc (09022015). Collection method: clinical testing. Allele origin: germline.
Comment: This variant occurs in the RMRP gene, which encodes an RNA molecule that does not result in a protein product. The frequency data for this variant in the population databases is considered unreliable, as metrics indicate insufficient coverage at this position in the ExAC database. This variant has been observed in individual(s) with cartilage-hair hypoplasia (PMID: 26915675). This variant is also known as c.7A>G. ClinVar contains an entry for this variant (Variation ID: 552366). Experimental studies and prediction algorithms are not available or were not evaluated, and the functional significance of this variant is currently unknown. In summary, the available evidence is currently insufficient to determine the role of this variant in disease. Therefore, it has been classified as a Variant of Uncertain Significance.

Natera, Inc.
Classification: Uncertain significance for Cartilage-hair hypoplasia. Last evaluated: 2021-07-13. Review status: no assertion criteria provided. Collection method: clinical testing. Allele origin: germline. Not counted in ClinVar's aggregate classification.

Counsyl
Classification: Uncertain significance for Metaphyseal chondrodysplasia, McKusick type. Last evaluated: 2017-06-16. Review status: no assertion criteria provided. Collection method: clinical testing. Allele origin: unknown. Not counted in ClinVar's aggregate classification.

Literature cited by the submitters: PubMed 26915675 (cited by Labcorp Genetics (formerly Invitae), Labcorp and Counsyl).